The following is an entry in ClinVar:

NM_006231.4(POLE):c.645G>T (p.Leu215Phe)

Gene: POLE (DNA polymerase epsilon, catalytic subunit; minus strand). Cytogenetic location: 12q24.33.
Variant type: single nucleotide variant.
Coding change: c.645G>T on transcript NM_006231.4 (MANE Select); coding-DNA position 645, G replaced by T.
Protein change: p.Leu215Phe; replaces leucine 215 with phenylalanine.
Molecular consequence: missense variant.
Genome position (GRCh38, 1-based): chr12:132,677,653, C>A on the plus strand (G>T on the coding strand, the complement: POLE is on the minus strand). VCF-style: chr12-132677653-C-A. GRCh37 (hg19) VCF-style: chr12-133254239-C-A.
Other names: short protein forms L215F.
Identifiers: ClinVar variation 837787 (VCV000837787.9), dbSNP rs2043086107, ClinGen allele CA387365108.

ClinVar aggregate classification (germline): Uncertain significance (1 of 4 stars; one submission).

Submission:

Labcorp Genetics (formerly Invitae), Labcorp
Classification: Uncertain significance. Last evaluated: 2025-11-12. Review status: criteria provided, single submitter. Criteria: Invitae Variant Classification Sherloc (09022015). Collection method: clinical testing. Allele origin: germline.
Comment: This sequence change replaces leucine, which is neutral and non-polar, with phenylalanine, which is neutral and non-polar, at codon 215 of the POLE protein (p.Leu215Phe). This variant is not present in population databases (gnomAD no frequency). This variant has not been reported in the literature in individuals affected with POLE-related conditions. ClinVar contains an entry for this variant (Variation ID: 837787). Invitae Evidence Modeling of protein sequence and biophysical properties (such as structural, functional, and spatial information, amino acid conservation, physicochemical variation, residue mobility, and thermodynamic stability) indicates that this missense variant is not expected to disrupt POLE protein function with a negative predictive value of 80%. In summary, the available evidence is currently insufficient to determine the role of this variant in disease. Therefore, it has been classified as a Variant of Uncertain Significance.